The following is an entry in ClinVar:

ClinVar aggregate classification (germline): Uncertain significance (1 of 4 stars; one submission).

Conditions:
Rienhoff syndrome. Also called: LOEYS-DIETZ SYNDROME 5. Identifiers: MedGen C3810012, MONDO:0014262, OMIM 615582.

Submission:

Labcorp Genetics (formerly Invitae), Labcorp
Classification: Uncertain significance for Rienhoff syndrome. Last evaluated: 2019-08-23. Review status: criteria provided, single submitter. Criteria: Invitae Variant Classification Sherloc (09022015). Collection method: clinical testing. Allele origin: germline.
Comment: This variant has not been reported in the literature in individuals with TGFB3-related conditions. Algorithms developed to predict the effect of missense changes on protein structure and function are either unavailable or do not agree on the potential impact of this missense change (SIFT: "Deleterious"; PolyPhen-2: "Possibly Damaging"; Align-GVGD: "Class C0"). In summary, the available evidence is currently insufficient to determine the role of this variant in disease. Therefore, it has been classified as a Variant of Uncertain Significance. This variant is not present in population databases (ExAC no frequency). This sequence change replaces phenylalanine with serine at codon 147 of the TGFB3 protein (p.Phe147Ser). The phenylalanine residue is highly conserved and there is a large physicochemical difference between phenylalanine and serine.

NM_003239.5(TGFB3):c.440T>C (p.Phe147Ser)

Gene: TGFB3 (transforming growth factor beta 3; minus strand). Cytogenetic location: 14q24.3.
Variant type: single nucleotide variant.
Coding change: c.440T>C on transcript NM_003239.5 (MANE Select); coding-DNA position 440, T replaced by C.
Protein change: p.Phe147Ser; replaces phenylalanine 147 with serine.
Molecular consequence: missense variant.
Genome position (GRCh38, 1-based): chr14:75,971,631, A>G on the plus strand (T>C on the coding strand, the complement: TGFB3 is on the minus strand). VCF-style: chr14-75971631-A-G. GRCh37 (hg19) VCF-style: chr14-76437974-A-G.
Other names: c.440T>C, p.Phe147Ser (NM_001329938.2, NM_001329939.2); short protein forms F147S.
Identifiers: ClinVar variation 962474 (VCV000962474.9), dbSNP rs752691299, ClinGen allele CA390470094.